The following is an entry in ClinVar:

ClinVar aggregate classification (germline): Benign/Likely benign. Review status: criteria provided, multiple submitters, no conflicts (2 of 4 stars). 12 submissions from 12 submitters: Benign (2); Likely benign (6). 4 of the submissions do not count toward it. Last evaluated 2026-01-25.

Conditions:
Hypertrophic cardiomyopathy 14. Identifiers: MedGen C2750467, MONDO:0013197, OMIM 613251.
Cardiovascular phenotype. Identifiers: MedGen CN230736.
MYH6-related disorder. Also called: MYH6-related condition; MYH6-Related Disorders.

Allele frequency attached by ClinVar (database versions not stated): 1000 Genomes Project 0.00020; 1000 Genomes Project 30x 0.00031; TOPMed 0.00072; ESP Exome Variant Server 0.00077; gnomAD 0.00083 and 0.00092.
gnomAD v4.1: 222 of 1,613,838 alleles (0.014%); highest among the groups gnomAD compares: African/African-American, 0.28%; no homozygotes.

Submissions (12):

Labcorp Genetics (formerly Invitae), Labcorp
Classification: Benign for Hypertrophic cardiomyopathy 14. Last evaluated: 2026-01-25. Review status: criteria provided, single submitter. Criteria: Invitae Variant Classification Sherloc (09022015). Collection method: clinical testing. Allele origin: germline.

Blueprint Genetics
Classification: Likely benign. Last evaluated: 2024-10-09. Review status: criteria provided, single submitter. Criteria: ACMG Guidelines, 2015. Collection method: clinical testing. Allele origin: germline.

Women's Health and Genetics/Laboratory Corporation of America, LabCorp
Classification: Benign. Last evaluated: 2022-05-02. Review status: criteria provided, single submitter. Criteria: LabCorp Variant Classification Summary - May 2015. Collection method: clinical testing. Allele origin: germline.

ARUP Laboratories, Molecular Genetics and Genomics, ARUP Laboratories
Classification: Likely benign. Last evaluated: 2021-07-10. Review status: criteria provided, single submitter. Criteria: ARUP Molecular Germline Variant Investigation Process 2021. Collection method: clinical testing. Allele origin: germline.

GeneDx
Classification: Likely benign. Last evaluated: 2020-12-14. Review status: criteria provided, single submitter. Criteria: GeneDx Variant Classification Process June 2021. Collection method: clinical testing. Allele origin: germline. Affected: yes.

Ambry Genetics
Classification: Likely benign for Cardiovascular phenotype. Last evaluated: 2017-12-11. Review status: criteria provided, single submitter. Criteria: Ambry Variant Classification Scheme 2023. Collection method: clinical testing. Allele origin: germline.

Laboratory for Molecular Medicine, Mass General Brigham Personalized Medicine
Classification: Likely benign. Last evaluated: 2015-04-07. Review status: criteria provided, single submitter. Criteria: LMM Criteria. Collection method: clinical testing. Allele origin: germline. Observed: 3 variant alleles.
Comment: p.Gly361Gly in exon 12 of MYH6: This variant is not expected to have clinical si gnificance because it does not alter an amino acid residue and is not located wi thin the splice consensus sequence. It has been identified in 0.2% (25/10404) of African chromosomes by the Exome Aggregation Consortium (ExAC; dbSNP rs138928022).

Breakthrough Genomics
Classification: Likely benign. Review status: criteria provided, single submitter. Criteria: ACMG Guidelines, 2015. Collection method: not provided. Allele origin: germline. Inheritance: Autosomal dominant inheritance. Affected: yes.

PreventionGenetics, part of Exact Sciences
Classification: Likely benign for MYH6-related condition. Last evaluated: 2022-03-02. Review status: no assertion criteria provided. Collection method: clinical testing. Allele origin: germline. Not counted in ClinVar's aggregate classification.
Comment: This variant is classified as likely benign based on ACMG/AMP sequence variant interpretation guidelines (Richards et al. 2015 PMID: 25741868, with internal and published modifications).

Clinical Genetics DNA and cytogenetics Diagnostics Lab, Erasmus MC, Erasmus Medical Center
Classification: Likely benign. Review status: no assertion criteria provided. Collection method: clinical testing. Allele origin: germline. Affected: yes. Study: VKGL Data-share Consensus. Not counted in ClinVar's aggregate classification.

Clinical Genetics, Academic Medical Center
Classification: Likely benign. Review status: no assertion criteria provided. Collection method: clinical testing. Allele origin: germline. Affected: yes. Study: VKGL Data-share Consensus. Not counted in ClinVar's aggregate classification.

Genome Diagnostics Laboratory, University Medical Center Utrecht
Classification: Likely benign. Review status: no assertion criteria provided. Collection method: clinical testing. Allele origin: germline. Affected: yes. Study: VKGL Data-share Consensus. Not counted in ClinVar's aggregate classification.

NM_002471.4(MYH6):c.1083G>T (p.Gly361=)

Gene: MYH6 (myosin heavy chain 6; minus strand). Cytogenetic location: 14q11.2.
Variant type: single nucleotide variant.
Coding change: c.1083G>T on transcript NM_002471.4 (MANE Select); coding-DNA position 1083, G replaced by T.
Protein change: p.Gly361=; no amino-acid change (glycine 361 retained).
Molecular consequence: synonymous variant.
Genome position (GRCh38, 1-based): chr14:23,402,522, C>A on the plus strand (G>T on the coding strand, the complement: MYH6 is on the minus strand). VCF-style: chr14-23402522-C-A. GRCh37 (hg19) VCF-style: chr14-23871731-C-A.
Identifiers: ClinVar variation 178077 (VCV000178077.34), dbSNP rs138928022, ClinGen allele CA181346.
Genomic context (GRCh38, chr14:23,402,522, plus strand): 5'-ACCTTCGGTGCCGTCTGGCTCCGCCTGCTCCTCCCGCTGCTTCTGCTTGAACTTCATGTT[C>A]CCGTAGTGCATGATGGCTCCCGTCAGCTTGTAGACGCCAGCTTTCTCCTCTGAAGTGAAG-3'
Protein context (NP_002462.2, residues 351-371): YKLTGAIMHY[Gly361=]NMKFKQKQRE